The following is an entry in ClinVar:

NM_000533.5(PLP1):c.656T>G (p.Val219Gly)

Genes: PLP1 (proteolipid protein 1; plus strand), RAB9B (RAB9B, member RAS oncogene family; minus strand). Cytogenetic location: Xq22.2.
Variant type: single nucleotide variant.
Coding change: c.656T>G on transcript NM_000533.5 (MANE Select); coding-DNA position 656, T replaced by G.
Protein change: p.Val219Gly; replaces valine 219 with glycine.
Molecular consequence: missense variant.
Genome position (GRCh38, 1-based): chrX:103,788,470, T>G. VCF-style: chrX-103788470-T-G. GRCh37 (hg19) VCF-style: chrX-103043399-T-G.
Other names: c.656T>G, p.Val219Gly (NM_001128834.3); c.491T>G, p.Val164Gly (NM_001305004.1); c.551T>G, p.Val184Gly (NM_199478.3); short protein forms V164G, V184G, V219G.
Identifiers: ClinVar variation 3255445 (VCV003255445.2), dbSNP rs2522317982.

ClinVar aggregate classification (germline): Likely pathogenic (1 of 4 stars; one submission).

Conditions:
Pelizaeus-Merzbacher disease. Also called: LEUKODYSTROPHY, HYPOMYELINATING, 1; Sudanophilic leukodystrophy; Pelizaeus-Merzbacher spectrum disorder; Pelizaeus-Merzbacher Disease (PMD); Pelizeaus-Merzbacher spectrum disorder. Identifiers: Orphanet 702, MedGen C0205711, MONDO:0010714, OMIM 312080, HP:0003269.

Submission:

Molecular Diagnostics Lab, Nemours Children's Health, Delaware
Classification: Likely pathogenic for Pelizaeus-Merzbacher disease. Last evaluated: 2021-12-28. Review status: criteria provided, single submitter. Criteria: ACMG Guidelines, 2015. Collection method: clinical testing. Allele origin: unknown. Inheritance: X-linked inheritance. Affected: yes. Observed: 1 hemizygote.
Comment: This missense variant (c.656T>G, p.Val219Gly) has not been observed in population databases (gnomAD). It has not been described in the literature. Variant prediction programs support a deleterious effect on the protein, although no functional studies have been published.